The following is an entry in ClinVar:

NM_006031.6(PCNT):c.6150+48_6150+49insTGCGGCAGCAAGGTGTGGGGAGCGGGGAAGGCACAAGGCCCACCCGGGAGAGGCTGGACACGCGGCAGCAAGGTGTGGGGAGCGGGGAAGGCACAAGGCCCACCCGGGAGAGGCTGGACACGCGGCAGCAAGGTGTGGGGAGCGGGGAAGGCGCGAGGTCCCCCCGGGAGAGGCTGGACA

Gene: PCNT (pericentrin; plus strand). Cytogenetic location: 21q22.3.
Variant type: Microsatellite.
Coding change: c.6150+48_6150+49insTGCGGCAGCAAGGTGTGGGGAGCGGGGAAGGCACAAGGCCCACCCGGGAGAGGCTGGACACGCGGCAGCAAGGTGTGGGGAGCGGGGAAGGCACAAGGCCCACCCGGGAGAGGCTGGACACGCGGCAGCAAGGTGTGGGGAGCGGGGAAGGCGCGAGGTCCCCCCGGGAGAGGCTGGACA on transcript NM_006031.6 (MANE Select); bases 48 to 49 of the intron after coding-DNA position 6150, TGCGGCAGCAAGGTGTGGGGAGCGGGGAAGGCACAAGGCCCACCCGGGAGAGGCTGGACACGCGGCAGCAAGGTGTGGGGAGCGGGGAAGGCACAAGGCCCACCCGGGAGAGGCTGGACACGCGGCAGCAAGGTGTGGGGAGCGGGGAAGGCGCGAGGTCCCCCCGGGAGAGGCTGGACA inserted.
Molecular consequence: intron variant.
Genome position: GRCh38: chr21:46,413,004-46,413,040. GRCh37 (hg19): chr21:47,832,918-47,832,954.
Other names: c.5796+48_5796+49insTGCGGCAGCAAGGTGTGGGGAGCGGGGAAGGCACAAGGCCCACCCGGGAGAGGCTGGACACGCGGCAGCAAGGTGTGGGGAGCGGGGAAGGCACAAGGCCCACCCGGGAGAGGCTGGACACGCGGCAGCAAGGTGTGGGGAGCGGGGAAGGCGCGAGGTCCCCCCGGGAGAGGCTGGACA (NM_001315529.2).
Identifiers: ClinVar variation 1944516 (VCV001944516.5).

ClinVar aggregate classification (germline): Uncertain significance (1 of 4 stars; one submission).

Submission:

Labcorp Genetics (formerly Invitae), Labcorp
Classification: Uncertain significance. Last evaluated: 2021-12-24. Review status: criteria provided, single submitter. Criteria: Invitae Variant Classification Sherloc (09022015). Collection method: clinical testing. Allele origin: germline.
Comment: This variant has not been reported in the literature in individuals affected with PCNT-related conditions. Algorithms developed to predict the effect of sequence changes on RNA splicing suggest that this variant may create or strengthen a splice site. In summary, the available evidence is currently insufficient to determine the role of this variant in disease. Therefore, it has been classified as a Variant of Uncertain Significance. This variant is not present in population databases (gnomAD no frequency). This sequence change falls in intron 29 of the PCNT gene. It does not directly change the encoded amino acid sequence of the PCNT protein.